The following is an entry in ClinVar:

ClinVar aggregate classification (germline): Pathogenic (1 of 4 stars; one submission).

Conditions:
Hyperphosphatasia with impaired intellectual development syndrome 2. Also called: Hyperphosphatasia with intellectual disability syndrome 2; GLYCOSYLPHOSPHATIDYLINOSITOL BIOSYNTHESIS DEFECT 6. Identifiers: Orphanet 247262, MedGen C3553637, MONDO:0013882, OMIM 614749.

Submission:

Labcorp Genetics (formerly Invitae), Labcorp
Classification: Pathogenic for Hyperphosphatasia with impaired intellectual development syndrome 2. Last evaluated: 2023-11-02. Review status: criteria provided, single submitter. Criteria: Invitae Variant Classification Sherloc (09022015). Collection method: clinical testing. Allele origin: germline.
Comment: This sequence change creates a premature translational stop signal (p.Trp443*) in the PIGO gene. It is expected to result in an absent or disrupted protein product. Loss-of-function variants in PIGO are known to be pathogenic (PMID: 22683086, 24417746). This variant is not present in population databases (gnomAD no frequency). This variant has not been reported in the literature in individuals affected with PIGO-related conditions. ClinVar contains an entry for this variant (Variation ID: 1392155). For these reasons, this variant has been classified as Pathogenic.

Literature cited by the submitters: PubMed 22683086; PubMed 24417746.

NM_032634.4(PIGO):c.1329G>A (p.Trp443Ter)

Gene: PIGO (phosphatidylinositol glycan anchor biosynthesis class O; minus strand). Cytogenetic location: 9p13.3.
Variant type: single nucleotide variant.
Coding change: c.1329G>A on transcript NM_032634.4 (MANE Select); coding-DNA position 1329, G replaced by A.
Protein change: p.Trp443Ter; replaces tryptophan 443 with a stop codon.
Molecular consequence: nonsense.
Genome position (GRCh38, 1-based): chr9:35,092,558, C>T on the plus strand (G>A on the coding strand, the complement: PIGO is on the minus strand). VCF-style: chr9-35092558-C-T. GRCh37 (hg19) VCF-style: chr9-35092555-C-T.
Other names: c.1329G>A, p.Trp443Ter (NM_001201484.2, NM_152850.4); short protein forms W443*.
Identifiers: ClinVar variation 1392155 (VCV001392155.6), dbSNP rs2131077198, ClinGen allele CA373322333.